The following is an entry in ClinVar:

ClinVar aggregate classification (germline): conflicting data from submitters (0 of 4 stars; one submission).

Submission:

ISCA site 1
Classification: conflicting data from submitters. Last evaluated: 2011-08-05. Review status: no assertion criteria provided. Collection method: clinical testing. Allele origin: de novo, unknown, maternal. Affected: yes. Observed: 6 variant alleles. Clinical features observed: Global developmental delay (HP:0001263), Intellectual disability (HP:0001249), Developmental delay AND/OR other significant developmental or morphological phenotypes, Encephalopathy (HP:0001298), Autism (HP:0000717), Ataxia (HP:0001251), Mitral valve prolapse (HP:0001634).
Comment: Pathogenic(1), Uncertain significance(5)

Copy number variation identified through the course of routine clinical cytogenomic testing in postnatal populations, with clinical assertions as classified by the original submitter. For data from the original published study, Kaminsky, et al. 2011 (PubMed 21844811), please see nstd101.

GRCh38/hg38 15q13.2-13.3(chr15:30361674-32607357)x3

Genes: ARHGAP11A-DT (ARHGAP11A divergent transcript; minus strand), GOLGA8O (golgin A8 family member O; minus strand), ARHGAP11B (Rho GTPase activating protein 11B), ARHGAP11B-DT (ARHGAP11B divergent transcript), CHRFAM7A (CHRNA7 (exons 5-10) and FAM7A (exons A-E) fusion; minus strand) and 39 more. Cytogenetic location: 15q13.2-13.3.
Variant type: copy number gain.
Change: copy number 3 (three copies instead of two) of chr15:30,361,674-32,607,357 (2.25 Mb, GRCh38 coordinates, 1-based), cytogenetic band 15q13.2-13.3.
Identifiers: ClinVar variation 32396 (VCV000032396.3).